The following is an entry in ClinVar:

NM_001122764.3(PPOX):c.491A>G (p.Asp164Gly)

Gene: PPOX (protoporphyrinogen oxidase; plus strand). Cytogenetic location: 1q23.3.
Variant type: single nucleotide variant.
Coding change: c.491A>G on transcript NM_001122764.3 (MANE Select); coding-DNA position 491, A replaced by G.
Protein change: p.Asp164Gly; replaces aspartic acid 164 with glycine.
Molecular consequence: missense variant.
Genome position (GRCh38, 1-based): chr1:161,168,451, A>G. VCF-style: chr1-161168451-A-G. GRCh37 (hg19) VCF-style: chr1-161138241-A-G.
Other names: c.491A>G, p.Asp164Gly (NM_000309.5, NM_001365398.1, NM_001365399.1); c.392A>G, p.Asp131Gly (NM_001350128.2); c.83A>G, p.Asp28Gly (NM_001350129.2, NM_001365400.1); c.5A>G, p.Asp2Gly (NM_001350130.2, NM_001350131.2, NM_001365401.1); short protein forms D131G, D164G, D28G, D2G.
Identifiers: ClinVar variation 1804982 (VCV001804982.2), dbSNP rs2525248197, ClinGen allele CA343353759.
Genomic context (GRCh38, chr1:161,168,451, plus strand): 5'-AGATTATTTTTTCGCTCCTTAGTCCTAGTCTCACCCTTAAGGTGGCGTCTCTAGCCATGG[A>G]CAGTCTCTGCCGTGGAGTGTTTGCAGGCAACAGCCGTGAGCTCAGCATCAGGTCCTGCTT-3'
Protein context (NP_001116236.1, residues 154-174): LGPEVASLAM[Asp164Gly]SLCRGVFAGN

ClinVar aggregate classification (germline): Uncertain significance (1 of 4 stars; one submission).

Conditions:
Variegate porphyria (VP). Also called: PPOX DEFICIENCY; PORPHYRIA, SOUTH AFRICAN TYPE; PROTOPORPHYRINOGEN OXIDASE DEFICIENCY. Identifiers: Orphanet 79473, MedGen C0162532, MONDO:0008297, OMIM 176200.

Submission:

Victorian Clinical Genetics Services, Murdoch Childrens Research Institute
Classification: Uncertain significance for Variegate porphyria. Last evaluated: 2021-05-06. Review status: criteria provided, single submitter. Criteria: ACMG Guidelines, 2015. Collection method: clinical testing. Allele origin: germline. Affected: yes.
Comment: Based on the classification scheme VCGS_Germline_v1.3.4, this variant is classified as VUS-3A. Following criteria are met: 0102 - Loss of function is a known mechanism of disease in this gene and is associated with porphyria variegate (MIM#176200). (I) 0107 - This gene is associated with autosomal dominant disease. However, rare examples of individuals with biallelic variants in this gene, and a more severe onset of disease have been reported (PMID: 33159949, PMID: 10870850, OMIM). (I) 0112 - The condition associated with this gene has incomplete penetrance (PMID: 27982422). (I) 0200 - Variant is predicted to result in a missense amino acid change from aspartic acid to glycine. (I) 0252 - This variant is homozygous. (I) 0301 - Variant is absent from gnomAD (both v2 and v3). (SP) 0501 - Missense variant consistently predicted to be damaging by multiple in silico tools or highly conserved with a major amino acid change. (SP) 0601 - Variant is located in the well-established functional putative membrane-anchoring domain, where functional studies on multiple missense variants in this domain have demonstrated that it is critical for function (PMID: 12922165). (SP) 0705 - No comparable missense variants have previous evidence for pathogenicity. (I) 0807 - This variant has no previous evidence of pathogenicity. (I) 0905 - No published segregation evidence has been identified for this variant. (I) 1007 - No published functional evidence has been identified for this variant. (I) 1102 - Strong phenotype match for this individual. (SP) 1208 - Inheritance information for this variant is not currently available in this individual. (I) Legend: (SP) - Supporting pathogenic, (I) - Information, (SB) - Supporting benign

Literature cited by the submitters: PubMed 10870850; PubMed 12922165; PubMed 27982422; PubMed 33159949.